The following is an entry in ClinVar:

ClinVar aggregate classification (germline): Uncertain significance (1 of 4 stars; one submission).

Conditions:
Immunodeficiency 14 (IMD14A). Also called: p110-DELTA-ACTIVATING MUTATION CAUSING SENESCENT T CELLS, LYMPHADENOPATHY, AND IMMUNODEFICIENCY; ACTIVATED PI3K-DELTA SYNDROME 1; Activated PI3K Delta Syndrome Type 1 (APDS1); IMMUNODEFICIENCY 14A WITH LYMPHOPROLIFERATION, AUTOSOMAL DOMINANT. Identifiers: Orphanet 397596, Orphanet 693661, MedGen C5907821, MONDO:0014222, OMIM 615513.

Submission:

Labcorp Genetics (formerly Invitae), Labcorp
Classification: Uncertain significance for Activated PI3K-delta syndrome. Last evaluated: 2025-03-26. Review status: criteria provided, single submitter. Criteria: Invitae Variant Classification Sherloc (09022015). Collection method: clinical testing. Allele origin: germline.
Comment: This sequence change replaces asparagine, which is neutral and polar, with serine, which is neutral and polar, at codon 696 of the PIK3CD protein (p.Asn696Ser). This variant is not present in population databases (gnomAD no frequency). This variant has not been reported in the literature in individuals affected with PIK3CD-related conditions. Invitae Evidence Modeling of protein sequence and biophysical properties (such as structural, functional, and spatial information, amino acid conservation, physicochemical variation, residue mobility, and thermodynamic stability) indicates that this missense variant is not expected to disrupt PIK3CD protein function with a negative predictive value of 80%. In summary, the available evidence is currently insufficient to determine the role of this variant in disease. Therefore, it has been classified as a Variant of Uncertain Significance.

NM_005026.5(PIK3CD):c.2087A>G (p.Asn696Ser)

Gene: PIK3CD (phosphatidylinositol-4,5-bisphosphate 3-kinase catalytic subunit delta; plus strand). Cytogenetic location: 1p36.22.
Variant type: single nucleotide variant.
Coding change: c.2087A>G on transcript NM_005026.5 (MANE Select); coding-DNA position 2087, A replaced by G.
Protein change: p.Asn696Ser; replaces asparagine 696 with serine.
Molecular consequence: missense variant.
Genome position (GRCh38, 1-based): chr1:9,722,006, A>G. VCF-style: chr1-9722006-A-G. GRCh37 (hg19) VCF-style: chr1-9782064-A-G.
Other names: c.2084A>G, p.Asn695Ser (NM_001350234.2, NM_001439206.1); c.2000A>G, p.Asn667Ser (NM_001350235.1); c.2087A>G, p.Asn696Ser (NM_001437546.1); c.1943A>G, p.Asn648Ser (NM_001437547.1, NM_001438338.1); short protein forms N648S, N695S, N667S, N696S.
Identifiers: ClinVar variation 4745717 (VCV004745717.1).